The following is an entry in ClinVar:

NM_000059.4(BRCA2):c.7007+2427_7007+2428insC

Gene: BRCA2 (BRCA2 DNA repair associated; plus strand). Cytogenetic location: 13q13.1.
Variant type: Insertion.
Coding change: c.7007+2427_7007+2428insC on transcript NM_000059.4 (MANE Select); bases 2427 to 2428 of the intron after coding-DNA position 7007, C inserted.
Molecular consequence: intron variant.
Genome position: GRCh38 VCF-style: chr13-32349323-A-AC. GRCh37 (hg19) VCF-style: chr13-32923460-A-AC.
Other names: IVS 13+2427insC.
Identifiers: ClinVar variation 209730 (VCV000209730.1), dbSNP rs572970006, ClinGen allele CA276698.

ClinVar aggregate classification (germline): Benign (3 of 4 stars; one submission).

Conditions:
Breast-ovarian cancer, familial, susceptibility to, 2 (BROVCA2). Also called: BRCA2 Hereditary Breast and Ovarian Cancer. Identifiers: Orphanet 145, MedGen C2675520, MONDO:0012933, OMIM 612555. Disease mechanism: loss of function.

Allele frequency attached by ClinVar (database versions not stated): 1000 Genomes Project 0.00180; gnomAD 0.00636 and 0.00675.

Submission:

Evidence-based Network for the Interpretation of Germline Mutant Alleles (ENIGMA)
Classification: Benign for Breast-ovarian cancer, familial 2. Last evaluated: 2015-01-12. Review status: reviewed by expert panel. Criteria: ENIGMA BRCA1/2 Classification Criteria (2015). Collection method: curation. Allele origin: germline.
Comment: Class 1 not pathogenic based on frequency >1% in an outbred sampleset. Frequency 0.06 (African), derived from 1000 genomes (2012-04-30).